The following is an entry in ClinVar:

ClinVar aggregate classification (germline): Benign/Likely benign. Review status: criteria provided, multiple submitters, no conflicts (2 of 4 stars). 6 submissions from 6 submitters: Benign (1); Likely benign (4). 1 of the submissions does not count toward it. Last evaluated 2025-11-23.

Conditions:
KMT2D-related disorder. Also called: KMT2D-Related Disorders.
Kabuki syndrome. Also called: Kabuki make-up syndrome; NIIKAWA-KUROKI SYNDROME. Identifiers: Orphanet 2322, MedGen C0796004, MONDO:0016512.
Inborn genetic diseases. Identifiers: MedGen C0950123, MeSH D030342.

Allele frequency attached by ClinVar (database versions not stated): gnomAD exomes 0.00002 and 0.00005; gnomAD 0.00005 and 0.00006; ExAC 0.00006; TOPMed 0.00009; ESP Exome Variant Server 0.00017.
gnomAD v4.1: 41 of 1,609,340 alleles (0.0025%); highest among the groups gnomAD compares: African/African-American, 0.023%; no homozygotes.

Submissions (6):

Labcorp Genetics (formerly Invitae), Labcorp
Classification: Benign for Kabuki syndrome. Last evaluated: 2025-11-23. Review status: criteria provided, single submitter. Criteria: Invitae Variant Classification Sherloc (09022015). Collection method: clinical testing. Allele origin: germline.

CeGaT Center for Human Genetics Tuebingen
Classification: Likely benign. Last evaluated: 2024-09-01. Review status: criteria provided, single submitter. Criteria: CeGaT Center For Human Genetics Tuebingen Variant Classification Criteria Version 2. Collection method: clinical testing. Allele origin: germline. Affected: yes. Observed: 1 variant allele.
Comment: KMT2D: BS2

Ambry Genetics
Classification: Likely benign for Inborn genetic diseases. Last evaluated: 2024-03-12. Review status: criteria provided, single submitter. Criteria: Ambry Variant Classification Scheme 2023. Collection method: clinical testing. Allele origin: germline.

Blueprint Genetics
Classification: Likely benign. Last evaluated: 2023-03-31. Review status: criteria provided, single submitter. Criteria: ACMG Guidelines, 2015. Collection method: clinical testing. Allele origin: germline.

GeneDx
Classification: Likely benign. Last evaluated: 2021-01-25. Review status: criteria provided, single submitter. Criteria: GeneDx Variant Classification Process June 2021. Collection method: clinical testing. Allele origin: germline. Affected: yes.
Comment: In silico analysis supports that this missense variant does not alter protein structure/function

PreventionGenetics, part of Exact Sciences
Classification: Likely benign for KMT2D-related condition. Last evaluated: 2024-07-17. Review status: no assertion criteria provided. Collection method: clinical testing. Allele origin: germline. Not counted in ClinVar's aggregate classification.
Comment: This variant is classified as likely benign based on ACMG/AMP sequence variant interpretation guidelines (Richards et al. 2015 PMID: 25741868, with internal and published modifications).

NM_003482.4(KMT2D):c.7499C>T (p.Ala2500Val)

Gene: KMT2D (lysine methyltransferase 2D; minus strand). Cytogenetic location: 12q13.12.
Variant type: single nucleotide variant.
Coding change: c.7499C>T on transcript NM_003482.4 (MANE Select); coding-DNA position 7499, C replaced by T.
Protein change: p.Ala2500Val; replaces alanine 2500 with valine.
Molecular consequence: missense variant.
Genome position (GRCh38, 1-based): chr12:49,040,271, G>A on the plus strand (C>T on the coding strand, the complement: KMT2D is on the minus strand). VCF-style: chr12-49040271-G-A. GRCh37 (hg19) VCF-style: chr12-49434054-G-A.
Other names: short protein forms A2500V.
Identifiers: ClinVar variation 833974 (VCV000833974.28), dbSNP rs369604891, ClinGen allele CA6547053.